The following is an entry in ClinVar:

NM_005236.3(ERCC4):c.252C>T (p.Leu84=)

Gene: ERCC4 (ERCC excision repair 4, endonuclease catalytic subunit; plus strand). Cytogenetic location: 16p13.12.
Variant type: single nucleotide variant.
Coding change: c.252C>T on transcript NM_005236.3 (MANE Select); coding-DNA position 252, C replaced by T.
Protein change: p.Leu84=; no amino-acid change (leucine 84 retained).
Molecular consequence: synonymous variant.
Genome position (GRCh38, 1-based): chr16:13,922,075, C>T. VCF-style: chr16-13922075-C-T. GRCh37 (hg19) VCF-style: chr16-14015932-C-T.
Identifiers: ClinVar variation 240124 (VCV000240124.59), dbSNP rs3136056, ClinGen allele CA7910137.

ClinVar aggregate classification (germline): Benign/Likely benign. Review status: criteria provided, multiple submitters, no conflicts (2 of 4 stars). 11 submissions from 11 submitters: Benign (5); Likely benign (3). 3 of the submissions do not count toward it. Last evaluated 2026-09-01.

Conditions:
Fanconi anemia complementation group Q. Identifiers: Orphanet 84, MedGen C3808988, MONDO:0014108, OMIM 615272.
Cockayne syndrome. Identifiers: Orphanet 191, MedGen C0009207, MONDO:0016006.
Xeroderma pigmentosum, group F (XPF). Also called: XERODERMA PIGMENTOSUM, COMPLEMENTATION GROUP F; XERODERMA PIGMENTOSUM VI; XP, GROUP F; ERCC4-Related Xeroderma Pigmentosum; XERODERMA PIGMENTOSUM, TYPE F; Xeroderma pigmentosum, type 6. Identifiers: MedGen C0268140, MONDO:0010215, OMIM 278760.

Allele frequency attached by ClinVar (database versions not stated): TOPMed 0.00419; 1000 Genomes Project 30x 0.00515; ESP Exome Variant Server 0.00516; 1000 Genomes Project 0.00539; gnomAD exomes 0.00782 and 0.01004; ExAC 0.00877; gnomAD 0.00910 and 0.00941.
gnomAD v4.1: 12,729 of 1,613,702 alleles (0.79%); highest among the groups gnomAD compares: Non-Finnish European, 0.67%; 140 homozygotes.

Submissions (11):

CeGaT Center for Human Genetics Tuebingen
Classification: Likely benign. Last evaluated: 2026-09-01. Review status: criteria provided, single submitter. Criteria: CeGaT Center For Human Genetics Tuebingen Variant Classification Criteria Version 2. Collection method: clinical testing. Allele origin: germline. Affected: yes. Observed: 98 variant alleles.
Comment: ERCC4: BP4, BP7, BS2

Labcorp Genetics (formerly Invitae), Labcorp
Classification: Benign for Fanconi anemia complementation group Q; Xeroderma pigmentosum, group F; Cockayne syndrome. Last evaluated: 2026-02-01. Review status: criteria provided, single submitter. Criteria: Invitae Variant Classification Sherloc (09022015). Collection method: clinical testing. Allele origin: germline.

Blueprint Genetics
Classification: Likely benign. Last evaluated: 2024-11-23. Review status: criteria provided, single submitter. Criteria: ACMG Guidelines, 2015. Collection method: clinical testing. Allele origin: germline.

ARUP Laboratories, Molecular Genetics and Genomics, ARUP Laboratories
Classification: Benign. Last evaluated: 2024-05-07. Review status: criteria provided, single submitter. Criteria: ARUP Molecular Germline Variant Investigation Process 2024. Collection method: clinical testing. Allele origin: germline.

KCCC/NGS Laboratory, Kuwait Cancer Control Center
Classification: Benign for Xeroderma pigmentosum, group F. Last evaluated: 2023-07-07. Review status: criteria provided, single submitter. Criteria: ACMG Guidelines, 2015. Collection method: clinical testing. Allele origin: germline. Affected: yes.

GeneDx
Classification: Benign. Last evaluated: 2019-03-10. Review status: criteria provided, single submitter. Criteria: GeneDx Variant Classification Process June 2021. Collection method: clinical testing. Allele origin: germline. Affected: yes.

Illumina Laboratory Services, Illumina
Classification: Likely benign for Xeroderma pigmentosum, group F. Last evaluated: 2018-01-13. Review status: criteria provided, single submitter. Criteria: ICSL Variant Classification Criteria 13 December 2019. Collection method: clinical testing. Allele origin: germline.
Comment: This variant was observed in the ICSL laboratory as part of a predisposition screen in an ostensibly healthy population. It had not been previously curated by ICSL or reported in the Human Gene Mutation Database (HGMD: prior to June 1st, 2018), and was therefore a candidate for classification through an automated scoring system. Utilizing variant allele frequency, disease prevalence and penetrance estimates, and inheritance mode, an automated score was calculated to assess if this variant is too frequent to cause the disease. Based on the score and internal cut-off values, a variant classified as likely benign is not then subjected to further curation. The score for this variant resulted in a classification of likely benign for this disease.

PreventionGenetics, part of Exact Sciences
Classification: Benign. Review status: criteria provided, single submitter. Criteria: ACMG Guidelines, 2015. Collection method: clinical testing. Allele origin: germline.

Clinical Genetics DNA and cytogenetics Diagnostics Lab, Erasmus MC, Erasmus Medical Center
Classification: Benign. Review status: no assertion criteria provided. Collection method: clinical testing. Allele origin: germline. Affected: yes. Study: VKGL Data-share Consensus. Not counted in ClinVar's aggregate classification.

Genome Diagnostics Laboratory, Amsterdam University Medical Center
Classification: Benign. Review status: no assertion criteria provided. Collection method: clinical testing. Allele origin: germline. Affected: yes. Study: VKGL Data-share Consensus. Not counted in ClinVar's aggregate classification.

Laboratory of Diagnostic Genome Analysis, Leiden University Medical Center (LUMC)
Classification: Benign. Review status: no assertion criteria provided. Collection method: clinical testing. Allele origin: germline. Affected: yes. Study: VKGL Data-share Consensus. Not counted in ClinVar's aggregate classification.